The following is an entry in ClinVar:

ClinVar aggregate classification (germline): Uncertain significance (1 of 4 stars; one submission).

gnomAD v4.1: 1 of 1,537,972 alleles (0.000065%); highest among the groups gnomAD compares: Non-Finnish European, 0.000087%; no homozygotes.

Submission:

GeneDx
Classification: Uncertain significance. Last evaluated: 2024-07-23. Review status: criteria provided, single submitter. Criteria: GeneDx Variant Classification Process June 2021. Collection method: clinical testing. Allele origin: germline. Affected: yes.
Comment: Not observed at significant frequency in large population cohorts (gnomAD); In silico analysis supports that this missense variant has a deleterious effect on protein structure/function; Has not been previously published as pathogenic or benign to our knowledge

NM_153033.5(KCTD7):c.61T>A (p.Ser21Thr)

Genes: KCTD7 (potassium channel tetramerization domain containing 7; plus strand), LOC129998533 (ATAC-STARR-seq lymphoblastoid silent region 18210; plus strand). Cytogenetic location: 7q11.21.
Variant type: single nucleotide variant.
Coding change: c.61T>A on transcript NM_153033.5 (MANE Select); coding-DNA position 61, T replaced by A.
Protein change: p.Ser21Thr; replaces serine 21 with threonine.
Molecular consequence: missense variant.
Genome position (GRCh38, 1-based): chr7:66,629,125, T>A. VCF-style: chr7-66629125-T-A. GRCh37 (hg19) VCF-style: chr7-66094112-T-A.
Other names: c.61T>A, p.Ser21Thr (NM_001167961.2); short protein forms S21T.
Identifiers: ClinVar variation 3600855 (VCV003600855.1).
Genomic context (GRCh38, chr7:66,629,125, plus strand): 5'-ATGGTGGTAGTCACGGGGCGGGAGCCAGACAGCCGTCGTCAGGACGGTGCCATGTCCAGC[T>A]CTGACGCCGAAGACGACTTTCTGGAGCCGGCCACGCCGACGGCCACGCAGGCGGGGCACG-3'
Protein context (NP_694578.1, residues 11-31): SRRQDGAMSS[Ser21Thr]DAEDDFLEPA